The following is an entry in ClinVar:

ClinVar aggregate classification (germline): Likely pathogenic (1 of 4 stars; one submission).

Conditions:
Dilated cardiomyopathy 1G (CMD1G). Identifiers: Orphanet 154, MedGen C1858763, MONDO:0011400, OMIM 604145.
Autosomal recessive limb-girdle muscular dystrophy type 2J (LGMDR10). Also called: Limb-girdle muscular dystrophy, type 2J; MUSCULAR DYSTROPHY, LIMB-GIRDLE, AUTOSOMAL RECESSIVE 10. Identifiers: Orphanet 140922, MedGen C1837342, MONDO:0012127, OMIM 608807.

Submission:

Labcorp Genetics (formerly Invitae), Labcorp
Classification: Likely pathogenic for Dilated cardiomyopathy 1G; Autosomal recessive limb-girdle muscular dystrophy type 2J. Last evaluated: 2024-10-18. Review status: criteria provided, single submitter. Criteria: Invitae Variant Classification Sherloc (09022015). Collection method: clinical testing. Allele origin: germline.
Comment: This sequence change creates a premature translational stop signal (p.Tyr10388*) in the TTN gene. While this is not anticipated to result in nonsense mediated decay, it is expected to create a truncated TTN protein. This variant is not present in population databases (gnomAD no frequency). This variant has not been reported in the literature in individuals affected with TTN-related conditions. ClinVar contains an entry for this variant (Variation ID: 959384). This variant is located in the I band of TTN (PMID: 25589632). Truncating variants in this region have been reported in individuals affected with autosomal recessive centronuclear myopathy (PMID: 23975875, internal data). Truncating variants in this region have also been identified in individuals affected with autosomal dominant dilated cardiomyopathy and/or cardio-related conditions (PMID: 27869827, 32964742, internal data). In summary, the currently available evidence indicates that the variant is pathogenic, but additional data are needed to prove that conclusively. Therefore, this variant has been classified as Likely Pathogenic.

Literature cited by the submitters: PubMed 25589632; PubMed 23975875; PubMed 27869827; PubMed 32964742.

NM_001267550.2(TTN):c.31164C>A (p.Tyr10388Ter)

Gene: TTN (titin; minus strand). Cytogenetic location: 2q31.2.
Variant type: single nucleotide variant.
Coding change: c.31164C>A on transcript NM_001267550.2 (MANE Select); coding-DNA position 31164, C replaced by A.
Protein change: p.Tyr10388Ter; replaces tyrosine 10388 with a stop codon.
Molecular consequence: nonsense. On other transcripts: intron variant (3).
Genome position (GRCh38, 1-based): chr2:178,695,908, G>T on the plus strand (C>A on the coding strand, the complement: TTN is on the minus strand). VCF-style: chr2-178695908-G-T. GRCh37 (hg19) VCF-style: chr2-179560635-G-T.
Other names: c.30213C>A, p.Tyr10071Ter (NM_001256850.1); c.27432C>A, p.Tyr9144Ter (NM_133378.4); c.13282+42174C>A (NM_003319.4); c.13858+42174C>A (NM_133437.4); c.13657+42174C>A (NM_133432.3); short protein forms Y10071*, Y10388*, Y9144*.
Identifiers: ClinVar variation 959384 (VCV000959384.10), dbSNP rs794727040, ClinGen allele CA349565111.
Genomic context (GRCh38, chr2:178,695,908, plus strand): 5'-ATTCAGTTTATACATACCTTCATAGACCTCCTTTTGAACTTGAATTACTTCCCTTTCTTG[G>T]TAAGCCTCTTCCCACTCTTCCTCCCCTTCGTCATAGCCTTCTTCCCTTTCATAGTATTCT-3'